The following is an entry in ClinVar:

ClinVar aggregate classification (germline): Uncertain significance. Review status: criteria provided, multiple submitters, no conflicts (2 of 4 stars). 2 submissions from 2 submitters: Uncertain significance (2). Last evaluated 2023-11-27.

Allele frequency attached by ClinVar (database versions not stated): ExAC 0.00002; gnomAD 0.00004; gnomAD exomes 0.00005; TOPMed 0.00005; ESP Exome Variant Server 0.00008; 1000 Genomes Project 0.00020; 1000 Genomes Project 30x 0.00031.
gnomAD v4.1: 82 of 1,614,044 alleles (0.0051%); highest among the groups gnomAD compares: Admixed American, 0.018%; no homozygotes.

Submissions (2):

Labcorp Genetics (formerly Invitae), Labcorp
Classification: Uncertain significance. Last evaluated: 2023-11-27. Review status: criteria provided, single submitter. Criteria: Invitae Variant Classification Sherloc (09022015). Collection method: clinical testing. Allele origin: germline.
Comment: This sequence change replaces arginine, which is basic and polar, with glutamine, which is neutral and polar, at codon 431 of the PTPN23 protein (p.Arg431Gln). This variant is present in population databases (rs183299169, gnomAD 0.03%). This variant has not been reported in the literature in individuals affected with PTPN23-related conditions. ClinVar contains an entry for this variant (Variation ID: 1431778). Experimental studies and prediction algorithms are not available or were not evaluated, and the functional significance of this variant is currently unknown. In summary, the available evidence is currently insufficient to determine the role of this variant in disease. Therefore, it has been classified as a Variant of Uncertain Significance.

Blueprint Genetics
Classification: Uncertain significance. Last evaluated: 2020-09-02. Review status: criteria provided, single submitter. Criteria: ACMG Guidelines, 2015. Collection method: clinical testing. Allele origin: germline.

NM_015466.4(PTPN23):c.1292G>A (p.Arg431Gln)

Gene: PTPN23 (protein tyrosine phosphatase non-receptor type 23; plus strand). Cytogenetic location: 3p21.31.
Variant type: single nucleotide variant.
Coding change: c.1292G>A on transcript NM_015466.4 (MANE Select); coding-DNA position 1292, G replaced by A.
Protein change: p.Arg431Gln; replaces arginine 431 with glutamine.
Molecular consequence: missense variant.
Genome position (GRCh38, 1-based): chr3:47,408,452, G>A. VCF-style: chr3-47408452-G-A. GRCh37 (hg19) VCF-style: chr3-47449942-G-A.
Other names: c.914G>A, p.Arg305Gln (NM_001304482.2); short protein forms R305Q, R431Q.
Identifiers: ClinVar variation 1431778 (VCV001431778.5), dbSNP rs183299169, ClinGen allele CA2365698.